The following is an entry in ClinVar:

NM_003073.5(SMARCB1):c.148C>A (p.Leu50Ile)

Gene: SMARCB1 (SWI/SNF related BAF chromatin remodeling complex subunit B1; plus strand). Cytogenetic location: 22q11.23.
Variant type: single nucleotide variant.
Coding change: c.148C>A on transcript NM_003073.5 (MANE Select); coding-DNA position 148, C replaced by A.
Protein change: p.Leu50Ile; replaces leucine 50 with isoleucine.
Molecular consequence: missense variant.
Genome position (GRCh38, 1-based): chr22:23,791,810, C>A. VCF-style: chr22-23791810-C-A. GRCh37 (hg19) VCF-style: chr22-24133997-C-A.
Other names: c.148C>A, p.Leu50Ile (NM_001007468.3, NM_001317946.2, NM_001362877.2); short protein forms L50I.
Identifiers: ClinVar variation 3446073 (VCV003446073.1).

ClinVar aggregate classification (germline): Uncertain significance (1 of 4 stars; one submission).

Conditions:
Hereditary cancer-predisposing syndrome. Also called: Tumor predisposition; Neoplastic Syndromes, Hereditary; Hereditary neoplastic syndrome; Hereditary Cancer Syndrome. Identifiers: Orphanet 140162, MedGen C0027672, MeSH D009386, MONDO:0015356.

Submission:

Ambry Genetics
Classification: Uncertain significance for Hereditary cancer-predisposing syndrome. Last evaluated: 2024-07-31. Review status: criteria provided, single submitter. Criteria: Ambry Variant Classification Scheme 2023. Collection method: clinical testing. Allele origin: germline.
Comment: The p.L50I variant (also known as c.148C>A), located in coding exon 2 of the SMARCB1 gene, results from a C to A substitution at nucleotide position 148. The leucine at codon 50 is replaced by isoleucine, an amino acid with highly similar properties. This amino acid position is highly conserved in available vertebrate species. In addition, the in silico prediction for this alteration is inconclusive. Based on the available evidence, the clinical significance of this variant remains unclear.